The following is an entry in ClinVar:

ClinVar aggregate classification (germline): Uncertain significance. Review status: criteria provided, multiple submitters, no conflicts (2 of 4 stars). 2 submissions from 2 submitters: Uncertain significance (2). Last evaluated 2024-10-07.

Conditions:
Hereditary cancer-predisposing syndrome. Also called: Tumor predisposition; Neoplastic Syndromes, Hereditary; Hereditary Cancer Syndrome; Hereditary neoplastic syndrome. Identifiers: Orphanet 140162, MedGen C0027672, MeSH D009386, MONDO:0015356.
Familial cancer of breast. Also called: Hereditary breast cancer; BREAST CANCER, FAMILIAL; hereditary breast carcinoma. Identifiers: Orphanet 227535, MedGen C0346153, MONDO:0016419, OMIM 114480. Disease mechanism: loss of function.

Allele frequency attached by ClinVar (database versions not stated): gnomAD exomes below 0.00001.
gnomAD v4.1: 1 of 1,551,854 alleles (0.000064%); highest among the groups gnomAD compares: Non-Finnish European, 0.000089%; no homozygotes.

Submissions (2):

Labcorp Genetics (formerly Invitae), Labcorp
Classification: Uncertain significance for Familial cancer of breast. Last evaluated: 2024-10-07. Review status: criteria provided, single submitter. Criteria: Invitae Variant Classification Sherloc (09022015). Collection method: clinical testing. Allele origin: germline.
Comment: This sequence change falls in intron 6 of the CHEK2 gene. It does not directly change the encoded amino acid sequence of the CHEK2 protein. It affects a nucleotide within the consensus splice site. This variant is not present in population databases (gnomAD no frequency). This variant has not been reported in the literature in individuals affected with CHEK2-related conditions. ClinVar contains an entry for this variant (Variation ID: 240755). Variants that disrupt the consensus splice site are a relatively common cause of aberrant splicing (PMID: 17576681, 9536098). Algorithms developed to predict the effect of sequence changes on RNA splicing suggest that this variant may disrupt the consensus splice site. In summary, the available evidence is currently insufficient to determine the role of this variant in disease. Therefore, it has been classified as a Variant of Uncertain Significance.

Ambry Genetics
Classification: Uncertain significance for Hereditary cancer-predisposing syndrome. Last evaluated: 2024-09-26. Review status: criteria provided, single submitter. Criteria: Ambry Variant Classification Scheme 2023. Collection method: clinical testing. Allele origin: germline.
Comment: The c.793-3A>G intronic variant results from an A to G substitution 3 nucleotides upstream from coding exon 6 in the CHEK2 gene. In silico splice site analysis predicts that this alteration will weaken the native splice acceptor site and will result in the creation or strengthening of a novel splice acceptor site. RNA studies have demonstrated that this alteration results in a splice defect; the clinical impact of this abnormal splicing is unknown at this time (Ambry internal data). Based on the available evidence, the clinical significance of this variant remains unclear.

Literature cited by the submitters: PubMed 17576681 (cited by Labcorp Genetics (formerly Invitae), Labcorp); PubMed 9536098 (cited by Labcorp Genetics (formerly Invitae), Labcorp).

NM_007194.4(CHEK2):c.793-3A>G

Gene: CHEK2 (checkpoint kinase 2; minus strand). Cytogenetic location: 22q12.1.
Variant type: single nucleotide variant.
Coding change: c.793-3A>G on transcript NM_007194.4 (MANE Select); 3 bases into the intron before coding-DNA position 793, A replaced by G.
Molecular consequence: intron variant.
Genome position (GRCh38, 1-based): chr22:28,710,062, T>C on the plus strand (A>G on the coding strand, the complement: CHEK2 is on the minus strand). VCF-style: chr22-28710062-T-C. GRCh37 (hg19) VCF-style: chr22-29106050-T-C.
Other names: c.130-3A>G (NM_001437942.1, NM_001257387.3); c.592-3A>G (NM_001349956.3); c.793-3A>G (NM_145862.3); c.886-3A>G (NM_001438295.1, NM_001438293.1); c.922-3A>G (NM_001438294.1, NM_001005735.3).
Identifiers: ClinVar variation 240755 (VCV000240755.13), dbSNP rs878854924, ClinGen allele CA10583908.
Genomic context (GRCh38, chr22:28,710,062, plus strand): 5'-TTACATGATTTAGCTTTTTCAAAATTTCTATTTCTGTTTCAACATTGAGAGCTGGGTCCT[T>C]TGATAAACAGAATAACAGAGTTTATTAGTAATAATAATTGCCAATATTTAAAAAAACATT-3'